The following is an entry in ClinVar:

ClinVar aggregate classification (germline): Uncertain significance. Review status: criteria provided, multiple submitters, no conflicts (2 of 4 stars). 3 submissions from 3 submitters: Uncertain significance (3). Last evaluated 2025-03-13.

Conditions:
RASopathy. Also called: rasopathies; Noonan spectrum disorder. Identifiers: Orphanet 536391, MedGen C5555857, MONDO:0021060.
Cardiovascular phenotype. Identifiers: MedGen CN230736.

Allele frequency attached by ClinVar (database versions not stated): gnomAD exomes below 0.00001; ExAC 0.00001.
gnomAD v4.1: 1 of 1,613,472 alleles (0.000062%); highest among the groups gnomAD compares: Non-Finnish European, 0.000085%; no homozygotes.

Submissions (3):

GeneDx
Classification: Uncertain significance. Last evaluated: 2025-03-13. Review status: criteria provided, single submitter. Criteria: GeneDx Variant Classification Process June 2021. Collection method: clinical testing. Allele origin: germline. Affected: yes.
Comment: Missense variants in this gene are a common cause of disease and they are underrepresented in the general population; In silico analysis supports that this missense variant has a deleterious effect on protein structure/function; Has not been previously published as pathogenic or benign to our knowledge; This variant is associated with the following publications: (PMID: 29493581)

Labcorp Genetics (formerly Invitae), Labcorp
Classification: Uncertain significance for RASopathy. Last evaluated: 2024-09-23. Review status: criteria provided, single submitter. Criteria: Invitae Variant Classification Sherloc (09022015). Collection method: clinical testing. Allele origin: germline.
Comment: This sequence change replaces aspartic acid, which is acidic and polar, with histidine, which is basic and polar, at codon 69 of the SOS1 protein (p.Asp69His). This variant is present in population databases (rs771172095, gnomAD 0.007%). This variant has not been reported in the literature in individuals affected with SOS1-related conditions. ClinVar contains an entry for this variant (Variation ID: 1785207). Invitae Evidence Modeling of protein sequence and biophysical properties (such as structural, functional, and spatial information, amino acid conservation, physicochemical variation, residue mobility, and thermodynamic stability) indicates that this missense variant is expected to disrupt SOS1 protein function with a positive predictive value of 95%. In summary, the available evidence is currently insufficient to determine the role of this variant in disease. Therefore, it has been classified as a Variant of Uncertain Significance.

Ambry Genetics
Classification: Uncertain significance for Cardiovascular phenotype. Last evaluated: 2022-10-27. Review status: criteria provided, single submitter. Criteria: Ambry Variant Classification Scheme 2023. Collection method: clinical testing. Allele origin: germline.
Comment: The p.D69H variant (also known as c.205G>C), located in coding exon 2 of the SOS1 gene, results from a G to C substitution at nucleotide position 205. The aspartic acid at codon 69 is replaced by histidine, an amino acid with similar properties. This amino acid position is conserved. In addition, this alteration is predicted to be deleterious by in silico analysis. Since supporting evidence is limited at this time, the clinical significance of this alteration remains unclear.

NM_005633.4(SOS1):c.205G>C (p.Asp69His)

Gene: SOS1 (SOS Ras/Rac guanine nucleotide exchange factor 1; minus strand). Cytogenetic location: 2p22.1.
Variant type: single nucleotide variant.
Coding change: c.205G>C on transcript NM_005633.4 (MANE Select); coding-DNA position 205, G replaced by C.
Protein change: p.Asp69His; replaces aspartic acid 69 with histidine.
Molecular consequence: missense variant.
Genome position (GRCh38, 1-based): chr2:39,067,636, C>G on the plus strand (G>C on the coding strand, the complement: SOS1 is on the minus strand). VCF-style: chr2-39067636-C-G. GRCh37 (hg19) VCF-style: chr2-39294777-C-G.
Other names: c.184G>C, p.Asp62His (NM_001382394.1); c.205G>C, p.Asp69His (NM_001382395.1); short protein forms D69H, D62H.
Identifiers: ClinVar variation 1785207 (VCV001785207.8), dbSNP rs771172095, ClinGen allele CA1624848.